The following is an entry in ClinVar:

ClinVar aggregate classification (germline): Likely pathogenic (1 of 4 stars; one submission).

Conditions:
Ataxia-telangiectasia syndrome (AT). Also called: ATAXIA-TELANGIECTASIA, COMPLEMENTATION GROUP A; ATAXIA-TELANGIECTASIA, FRESNO VARIANT; Ataxia-telangiectasia; Ataxia-telangiectasia, complementation group E; Ataxia telangiectasia (A-T); LOUIS-BAR SYNDROME. Identifiers: Orphanet 100, MedGen C0004135, MONDO:0008840, OMIM 208900.

Submission:

Labcorp Genetics (formerly Invitae), Labcorp
Classification: Likely pathogenic for Ataxia-telangiectasia syndrome. Last evaluated: 2024-10-19. Review status: criteria provided, single submitter. Criteria: Invitae Variant Classification Sherloc (09022015). Collection method: clinical testing. Allele origin: germline.
Comment: This variant results in the deletion of part of exon 2 (c.72_72+17del) of the ATM gene. It is expected to disrupt RNA splicing. Variants that disrupt the donor or acceptor splice site typically lead to a loss of protein function (PMID: 16199547), and loss-of-function variants in ATM are known to be pathogenic (PMID: 23807571, 25614872). This variant is not present in population databases (gnomAD no frequency). This variant has not been reported in the literature in individuals affected with ATM-related conditions. In summary, the currently available evidence indicates that the variant is pathogenic, but additional data are needed to prove that conclusively. Therefore, this variant has been classified as Likely Pathogenic.

Literature cited by the submitters: PubMed 16199547; PubMed 23807571; PubMed 25614872.

NM_000051.4(ATM):c.72_72+17del

Gene: ATM (ATM serine/threonine kinase; plus strand). Cytogenetic location: 11q22.3.
Variant type: Deletion.
Coding change: c.72_72+17del on transcript NM_000051.4 (MANE Select); coding-DNA position 72 through 17 bases into the intron after coding-DNA position 72, 18 bases deleted (GGTAGTAAATTACTTAAA).
Molecular consequence: splice donor variant.
Genome position (GRCh38, 1-based): chr11:108,227,696-108,227,713, GGTAGTAAATTACTTAAA deleted; deleting any 18 consecutive bases within chr11:108,227,693-108,227,713 gives the same sequence; the c. name uses the placement nearest the transcript's 3' end. VCF-style (leftmost placement, unchanged base first): chr11-108227692-GAAAGGTAGTAAATTACTT-G. GRCh37 (hg19) VCF-style: chr11-108098419-GAAAGGTAGTAAATTACTT-G.
Other names: c.72_72+17del (NM_001351834.2, NM_001351835.2, NM_001351836.2).
Identifiers: ClinVar variation 3723264 (VCV003723264.2).